The following is an entry in ClinVar:

ClinVar aggregate classification (germline): Uncertain significance (1 of 4 stars; one submission).

Conditions:
Early-infantile DEE. Also called: Early infantile epileptic encephalopathy; Early infantile epileptic encephalopathy with suppression bursts; Ohtahara syndrome. Identifiers: Orphanet 1934, MedGen C0393706, MONDO:0800491.

Submission:

Labcorp Genetics (formerly Invitae), Labcorp
Classification: Uncertain significance for Early-infantile DEE. Last evaluated: 2023-12-22. Review status: criteria provided, single submitter. Criteria: Invitae Variant Classification Sherloc (09022015). Collection method: clinical testing. Allele origin: germline.
Comment: This sequence change replaces alanine, which is neutral and non-polar, with threonine, which is neutral and polar, at codon 492 of the KCNQ2 protein (p.Ala492Thr). This variant is not present in population databases (gnomAD no frequency). This variant has not been reported in the literature in individuals affected with KCNQ2-related conditions. An algorithm developed to predict the effect of missense changes on protein structure and function (PolyPhen-2) suggests that this variant is likely to be tolerated. In summary, the available evidence is currently insufficient to determine the role of this variant in disease. Therefore, it has been classified as a Variant of Uncertain Significance.

NM_172107.4(KCNQ2):c.1474G>A (p.Ala492Thr)

Gene: KCNQ2 (potassium voltage-gated channel subfamily Q member 2; minus strand). Cytogenetic location: 20q13.33.
Variant type: single nucleotide variant.
Coding change: c.1474G>A on transcript NM_172107.4 (MANE Select); coding-DNA position 1474, G replaced by A.
Protein change: p.Ala492Thr; replaces alanine 492 with threonine.
Molecular consequence: missense variant.
Genome position (GRCh38, 1-based): chr20:63,414,954, C>T on the plus strand (G>A on the coding strand, the complement: KCNQ2 is on the minus strand). VCF-style: chr20-63414954-C-T. GRCh37 (hg19) VCF-style: chr20-62046307-C-T.
Other names: c.1384G>A, p.Ala462Thr (NM_172108.5); c.1420G>A, p.Ala474Thr (NM_001382235.1, NM_172106.3); c.1390G>A, p.Ala464Thr (NM_004518.6); short protein forms A492T, A462T, A474T, A464T.
Identifiers: ClinVar variation 2800738 (VCV002800738.3), dbSNP rs2145555763, ClinGen allele CA409646304.